The following is an entry in ClinVar:

NM_002635.4(SLC25A3):c.471T>C (p.Tyr157=)

Gene: SLC25A3 (solute carrier family 25 member 3; plus strand). Cytogenetic location: 12q23.1.
Variant type: single nucleotide variant.
Coding change: c.471T>C on transcript NM_002635.4 (MANE Select); coding-DNA position 471, T replaced by C.
Protein change: p.Tyr157=; no amino-acid change (tyrosine 157 retained).
Molecular consequence: synonymous variant.
Genome position (GRCh38, 1-based): chr12:98,598,533, T>C. VCF-style: chr12-98598533-T-C. GRCh37 (hg19) VCF-style: chr12-98992311-T-C.
Other names: p.Tyr158=; c.474T>C, p.Tyr158= (NM_005888.4); c.471T>C, p.Tyr157= (NM_213611.3).
Identifiers: ClinVar variation 310798 (VCV000310798.39), dbSNP rs531425336, ClinGen allele CA6732987.

ClinVar aggregate classification (germline): Benign/Likely benign. Review status: criteria provided, multiple submitters, no conflicts (2 of 4 stars). 8 submissions from 8 submitters: Benign (5); Likely benign (3). Last evaluated 2026-10-01.

Conditions:
SLC25A3-related disorder. Also called: SLC25A3-related condition.
Cardiomyopathy-hypotonia-lactic acidosis syndrome (MPCD). Identifiers: Orphanet 91130, MedGen C1835845, MONDO:0012557, OMIM 610773.

Allele frequency attached by ClinVar (database versions not stated): gnomAD 0.00009 and 0.00046; TOPMed 0.00024; gnomAD exomes 0.00067 and 0.00133; ExAC 0.00138; 1000 Genomes Project 30x 0.00328; 1000 Genomes Project 0.00359.
gnomAD v4.1: 1,053 of 1,612,718 alleles (0.065%); highest among the groups gnomAD compares: South Asian, 1%; 13 homozygotes.

Submissions (8):

CeGaT Center for Human Genetics Tuebingen
Classification: Benign. Last evaluated: 2026-10-01. Review status: criteria provided, single submitter. Criteria: CeGaT Center For Human Genetics Tuebingen Variant Classification Criteria Version 2. Collection method: clinical testing. Allele origin: germline. Affected: yes. Observed: 2 variant alleles.
Comment: SLC25A3: BP4, BP7, BS1, BS2

PreventionGenetics, part of Exact Sciences
Classification: Benign for SLC25A3-related condition. Last evaluated: 2026-09-16. Review status: criteria provided, single submitter. Criteria: ACMG Guidelines, 2015. Collection method: clinical testing. Allele origin: germline.
Comment: This variant is classified as benign based on ACMG/AMP sequence variant interpretation guidelines (Richards et al. 2015 PMID: 25741868, with internal and published modifications).

Labcorp Genetics (formerly Invitae), Labcorp
Classification: Benign. Last evaluated: 2026-01-19. Review status: criteria provided, single submitter. Criteria: Invitae Variant Classification Sherloc (09022015). Collection method: clinical testing. Allele origin: germline.

Mayo Clinic Laboratories, Mayo Clinic
Classification: Benign. Last evaluated: 2025-02-14. Review status: criteria provided, single submitter. Criteria: ACMG Guidelines, 2015. Collection method: clinical testing. Allele origin: germline. Observed: 1 variant allele.
Comment: BA1, BP4, BP7

Blueprint Genetics
Classification: Likely benign. Last evaluated: 2024-11-25. Review status: criteria provided, single submitter. Criteria: ACMG Guidelines, 2015. Collection method: clinical testing. Allele origin: germline.

GeneDx
Classification: Benign. Last evaluated: 2018-05-21. Review status: criteria provided, single submitter. Criteria: GeneDx Variant Classification Process June 2021. Collection method: clinical testing. Allele origin: germline. Affected: yes.

Illumina Laboratory Services, Illumina
Classification: Likely benign for Cardiomyopathy-hypotonia-lactic acidosis syndrome. Last evaluated: 2018-01-12. Review status: criteria provided, single submitter. Criteria: ICSL Variant Classification Criteria 13 December 2019. Collection method: clinical testing. Allele origin: germline.
Comment: This variant was observed in the ICSL laboratory as part of a predisposition screen in an ostensibly healthy population. It had not been previously curated by ICSL or reported in the Human Gene Mutation Database (HGMD: prior to June 1st, 2018), and was therefore a candidate for classification through an automated scoring system. Utilizing variant allele frequency, disease prevalence and penetrance estimates, and inheritance mode, an automated score was calculated to assess if this variant is too frequent to cause the disease. Based on the score and internal cut-off values, a variant classified as likely benign is not then subjected to further curation. The score for this variant resulted in a classification of likely benign for this disease.

Breakthrough Genomics
Classification: Likely benign. Review status: criteria provided, single submitter. Criteria: ACMG Guidelines, 2015. Collection method: not provided. Allele origin: germline. Inheritance: Autosomal recessive inheritance. Affected: yes.